The following is an entry in ClinVar:

ClinVar aggregate classification (germline): Benign (0 of 4 stars; one submission).

Conditions:
MAP3K15-related disorder. Also called: MAP3K15-related condition.

Allele frequency attached by ClinVar (database versions not stated): 1000 Genomes Project 30x 0.66805; TOPMed 0.67307; ESP Exome Variant Server 0.67791; 1000 Genomes Project 0.67947; ExAC 0.84435.

Submission:

PreventionGenetics, part of Exact Sciences
Classification: Benign for MAP3K15-related condition. Last evaluated: 2019-10-21. Review status: no assertion criteria provided. Collection method: clinical testing. Allele origin: germline.
Comment: This variant is classified as benign based on ACMG/AMP sequence variant interpretation guidelines (Richards et al. 2015 PMID: 25741868, with internal and published modifications).

NM_001001671.4(MAP3K15):c.574G>A (p.Ala192Thr)

Gene: MAP3K15 (mitogen-activated protein kinase kinase kinase 15; minus strand). Cytogenetic location: Xp22.12.
Variant type: single nucleotide variant.
Coding change: c.574G>A on transcript NM_001001671.4 (MANE Select); coding-DNA position 574, G replaced by A.
Protein change: p.Ala192Thr; replaces alanine 192 with threonine.
Molecular consequence: missense variant.
Genome position (GRCh38, 1-based): chrX:19,464,358, C>T on the plus strand (G>A on the coding strand, the complement: MAP3K15 is on the minus strand). VCF-style: chrX-19464358-C-T. GRCh37 (hg19) VCF-style: chrX-19482476-C-T.
Other names: short protein forms A192T.
Identifiers: ClinVar variation 3060122 (VCV003060122.2), dbSNP rs5909299, ClinGen allele CA10364297.
Genomic context (GRCh38, chrX:19,464,358, plus strand): 5'-TGGGCTGCATGTACTCGGAGGCTCGTCTCTGGGCATCACTCTCGCAGCAAAAATAATCAG[C>T]GCACGGTGTCACGATGTATGGGATGAAATAATAATTTCCACTGGATGCCTGGAAAAAAGA-3'
Protein context (NP_001001671.3, residues 182-202): YFIPYIVTPC[Ala192Thr]DYFCCESDAQ